The following is an entry in ClinVar:

NM_001365536.1(SCN9A):c.133G>A (p.Glu45Lys)

Gene: SCN9A (sodium voltage-gated channel alpha subunit 9; minus strand). Cytogenetic location: 2q24.3.
Variant type: single nucleotide variant.
Coding change: c.133G>A on transcript NM_001365536.1 (MANE Select); coding-DNA position 133, G replaced by A.
Protein change: p.Glu45Lys; replaces glutamic acid 45 with lysine.
Molecular consequence: missense variant.
Genome position (GRCh38, 1-based): chr2:166,311,624, C>T on the plus strand (G>A on the coding strand, the complement: SCN9A is on the minus strand). VCF-style: chr2-166311624-C-T. GRCh37 (hg19) VCF-style: chr2-167168134-C-T.
Other names: c.133G>A, p.Glu45Lys (NM_002977.4); short protein forms E45K.
Identifiers: ClinVar variation 1719065 (VCV001719065.6), dbSNP rs1553498017, ClinGen allele CA349096036.

ClinVar aggregate classification (germline): Uncertain significance (1 of 4 stars; one submission).

Conditions:
Generalized epilepsy with febrile seizures plus, type 7 (GEFSP7). Also called: GEFS+, TYPE 7. Identifiers: Orphanet 36387, MedGen C2751778, MONDO:0013470, OMIM 613863.
Neuropathy, hereditary sensory and autonomic, type 2A (HSAN2A). Also called: ACROOSTEOLYSIS, GIACCAI TYPE; ACROOSTEOLYSIS, NEUROGENIC; WNK1-Related HSAN2 (HSAN2A); HSAN IIA; MORVAN DISEASE; NEUROPATHY, CONGENITAL SENSORY. Identifiers: Orphanet 970, MedGen C2752089, MONDO:0024309, OMIM 201300.

Submission:

Labcorp Genetics (formerly Invitae), Labcorp
Classification: Uncertain significance for Neuropathy, hereditary sensory and autonomic, type 2A; Generalized epilepsy with febrile seizures plus, type 7. Last evaluated: 2022-09-08. Review status: criteria provided, single submitter. Criteria: Invitae Variant Classification Sherloc (09022015). Collection method: clinical testing. Allele origin: germline.
Comment: This sequence change replaces glutamic acid, which is acidic and polar, with lysine, which is basic and polar, at codon 45 of the SCN9A protein (p.Glu45Lys). This variant is not present in population databases (gnomAD no frequency). This variant has not been reported in the literature in individuals affected with SCN9A-related conditions. Advanced modeling of protein sequence and biophysical properties (such as structural, functional, and spatial information, amino acid conservation, physicochemical variation, residue mobility, and thermodynamic stability) performed at Invitae indicates that this missense variant is not expected to disrupt SCN9A protein function. In summary, the available evidence is currently insufficient to determine the role of this variant in disease. Therefore, it has been classified as a Variant of Uncertain Significance.